The following is an entry in ClinVar:

ClinVar aggregate classification (germline): Uncertain significance (1 of 4 stars; one submission).

Conditions:
Frontotemporal dementia (FTD1). Also called: Frontotemporal Dementia with Parkinsonism-17 (FTDP-17); MULTIPLE SYSTEM TAUOPATHY WITH PRESENILE DEMENTIA; WILHELMSEN-LYNCH DISEASE; Frontotemporal lobe dementia (FLDEM); Dementia, frontotemporal, with or without parkinsonism; FRONTOTEMPORAL DEMENTIA WITH PARKINSONISM. Identifiers: Orphanet 282, MedGen C0338451, MONDO:0017276, OMIM 600274, HP:0002145.

Submission:

Labcorp Genetics (formerly Invitae), Labcorp
Classification: Uncertain significance for Frontotemporal dementia. Last evaluated: 2024-02-12. Review status: criteria provided, single submitter. Criteria: Invitae Variant Classification Sherloc (09022015). Collection method: clinical testing. Allele origin: germline.
Comment: This sequence change replaces lysine, which is basic and polar, with arginine, which is basic and polar, at codon 280 of the MAPT protein (p.Lys280Arg). This variant is not present in population databases (gnomAD no frequency). This variant has not been reported in the literature in individuals affected with MAPT-related conditions. Advanced modeling of protein sequence and biophysical properties (such as structural, functional, and spatial information, amino acid conservation, physicochemical variation, residue mobility, and thermodynamic stability) performed at Invitae indicates that this missense variant is expected to disrupt MAPT protein function with a positive predictive value of 80%. Experimental studies are conflicting or provide insufficient evidence to determine the effect of this variant on MAPT function (PMID: 26940749, 28287136, 28855586). Algorithms developed to predict the effect of sequence changes on RNA splicing suggest that this variant may disrupt the consensus splice site. In summary, the available evidence is currently insufficient to determine the role of this variant in disease. Therefore, it has been classified as a Variant of Uncertain Significance.

Literature cited by the submitters: PubMed 26940749; PubMed 28287136; PubMed 28855586.

NM_001377265.1(MAPT):c.2015A>G (p.Lys672Arg)

Gene: MAPT (microtubule associated protein tau). Cytogenetic location: 17q21.31.
Variant type: single nucleotide variant.
Coding change: c.2015A>G on transcript NM_001377265.1 (MANE Select); coding-DNA position 2015, A replaced by G.
Protein change: p.Lys672Arg; replaces lysine 672 with arginine.
Molecular consequence: missense variant. On other transcripts: intron variant (6).
Genome position (GRCh38, 1-based): chr17:46,010,326, A>G. VCF-style: chr17-46010326-A-G. GRCh37 (hg19) VCF-style: chr17-44087692-A-G.
Other names: c.1844A>G, p.Lys615Arg (NM_001123066.4); c.752A>G, p.Lys251Arg (NM_001123067.4); c.839A>G, p.Lys280Arg (NM_005910.6); c.665A>G, p.Lys222Arg (NM_016834.5); c.1790A>G, p.Lys597Arg (NM_016835.5); c.649-3917A>G (NM_001377268.1, NM_016841.5); c.823-3917A>G (NM_001203252.2); c.1801-3917A>G (NM_001377266.1); and 1 more; short protein forms K280R, K597R, K672R, K615R, K222R, K251R.
Identifiers: ClinVar variation 3640349 (VCV003640349.2).